The following is an entry in ClinVar:

NM_001042517.2(DIAPH3):c.513C>G (p.Ser171Arg)

Genes: DIAPH3 (diaphanous related formin 3; minus strand), DIAPH3-AS1 (DIAPH3 antisense RNA 1; plus strand). Cytogenetic location: 13q21.2.
Variant type: single nucleotide variant.
Coding change: c.513C>G on transcript NM_001042517.2 (MANE Select); coding-DNA position 513, C replaced by G.
Protein change: p.Ser171Arg; replaces serine 171 with arginine.
Molecular consequence: missense variant.
Genome position (GRCh38, 1-based): chr13:60,042,803, G>C on the plus strand (C>G on the coding strand, the complement: DIAPH3 is on the minus strand). VCF-style: chr13-60042803-G-C. GRCh37 (hg19) VCF-style: chr13-60616937-G-C.
Other names: c.480C>G, p.Ser160Arg (NM_001258366.2); c.375C>G, p.Ser125Arg (NM_001258367.2); c.303C>G, p.Ser101Arg (NM_001258368.2); c.513C>G, p.Ser171Arg (NM_001258369.2); short protein forms S160R, S125R, S171R, S101R.
Identifiers: ClinVar variation 2982801 (VCV002982801.3), dbSNP rs1566702675, ClinGen allele CA388336938.

ClinVar aggregate classification (germline): Uncertain significance (1 of 4 stars; one submission).

Allele frequency attached by ClinVar (database versions not stated): TOPMed below 0.00001; gnomAD 0.00001.
gnomAD v4.1: 2 of 1,613,334 alleles (0.00012%); highest among the groups gnomAD compares: Admixed American, 0.0017%; no homozygotes.

Submission:

Labcorp Genetics (formerly Invitae), Labcorp
Classification: Uncertain significance. Last evaluated: 2023-05-27. Review status: criteria provided, single submitter. Criteria: Invitae Variant Classification Sherloc (09022015). Collection method: clinical testing. Allele origin: germline.
Comment: This sequence change replaces serine, which is neutral and polar, with arginine, which is basic and polar, at codon 171 of the DIAPH3 protein (p.Ser171Arg). This variant is not present in population databases (gnomAD no frequency). In summary, the available evidence is currently insufficient to determine the role of this variant in disease. Therefore, it has been classified as a Variant of Uncertain Significance. Algorithms developed to predict the effect of missense changes on protein structure and function output the following: SIFT: "Not Available"; PolyPhen-2: "Benign"; Align-GVGD: "Not Available". The arginine amino acid residue is found in multiple mammalian species, which suggests that this missense change does not adversely affect protein function. This variant has not been reported in the literature in individuals affected with DIAPH3-related conditions.